The following is an entry in ClinVar:

ClinVar aggregate classification (germline): Likely benign. Review status: criteria provided, multiple submitters, no conflicts (2 of 4 stars). 2 submissions from 2 submitters: Likely benign (2). Last evaluated 2024-07-29.

Conditions:
Ehlers-Danlos syndrome, type 4 (EDSVASC). Also called: Ehlers-Danlos syndrome vascular type; Ehlers Danlos syndrome, ecchymotic type; Ehlers Danlos syndrome, arterial type; Ehlers Danlos syndrome, Sack-Barabas type; Ehlers-Danlos Syndrome Type IV. Identifiers: Orphanet 286, MedGen C0268338, MONDO:0017314, OMIM 130050.
Familial thoracic aortic aneurysm and aortic dissection (TAAD). Also called: Thoracic aortic aneurysms and dissections. Identifiers: Orphanet 91387, MedGen C4707243, MONDO:0019625.

gnomAD v4.1: 1 of 1,613,920 alleles (0.000062%); highest among the groups gnomAD compares: Non-Finnish European, 0.000085%; no homozygotes.

Submissions (2):

All of Us Research Program, National Institutes of Health
Classification: Likely benign for Ehlers-Danlos syndrome, type 4. Last evaluated: 2024-07-29. Review status: criteria provided, single submitter. Criteria: ACMG Guidelines, 2015. Collection method: clinical testing. Allele origin: germline. Inheritance: Autosomal dominant inheritance. Observed: 1 variant allele, 1 heterozygote.
Comment: This study involves interpretation of variants in research participants for the purpose of population health screening. Participant phenotype was not available at the time of variant classification. Additional details can be found in publication PMID: 35346344, PMCID: PMC8962531

Color Diagnostics, LLC DBA Color Health
Classification: Likely benign for Familial thoracic aortic aneurysm and aortic dissection. Last evaluated: 2022-11-06. Review status: criteria provided, single submitter. Criteria: ACMG Guidelines, 2015. Collection method: clinical testing. Allele origin: germline.

NM_000090.4(COL3A1):c.987T>C (p.Asp329=)

Gene: COL3A1 (collagen type III alpha 1 chain; plus strand). Cytogenetic location: 2q32.2.
Variant type: single nucleotide variant.
Coding change: c.987T>C on transcript NM_000090.4 (MANE Select); coding-DNA position 987, T replaced by C.
Protein change: p.Asp329=; no amino-acid change (aspartic acid 329 retained).
Molecular consequence: synonymous variant.
Genome position (GRCh38, 1-based): chr2:188,992,219, T>C. VCF-style: chr2-188992219-T-C. GRCh37 (hg19) VCF-style: chr2-189856945-T-C.
Identifiers: ClinVar variation 3386442 (VCV003386442.2).